The following is an entry in ClinVar:

NM_004168.4(SDHA):c.390C>T (p.Ser130=)

Gene: SDHA (succinate dehydrogenase complex flavoprotein subunit A; plus strand). Cytogenetic location: 5p15.33.
Variant type: single nucleotide variant.
Coding change: c.390C>T on transcript NM_004168.4 (MANE Select); coding-DNA position 390, C replaced by T.
Protein change: p.Ser130=; no amino-acid change (serine 130 retained).
Molecular consequence: synonymous variant. On other transcripts: intron variant (1).
Genome position (GRCh38, 1-based): chr5:225,496, C>T. VCF-style: chr5-225496-C-T. GRCh37 (hg19) VCF-style: chr5-225611-C-T.
Other names: c.390C>T, p.Ser130= (NM_001330758.2); c.313-387C>T (NM_001294332.2).
Identifiers: ClinVar variation 486377 (VCV000486377.18), dbSNP rs748976493, ClinGen allele CA3172808.

ClinVar aggregate classification (germline): Benign/Likely benign. Review status: criteria provided, multiple submitters, no conflicts (2 of 4 stars). 5 submissions from 5 submitters: Benign (1); Likely benign (4). Last evaluated 2026-01-19.

Conditions:
Hereditary cancer-predisposing syndrome. Also called: Tumor predisposition; Hereditary Cancer Syndrome; Neoplastic Syndromes, Hereditary; Hereditary neoplastic syndrome. Identifiers: Orphanet 140162, MedGen C0027672, MeSH D009386, MONDO:0015356.
Pheochromocytoma/paraganglioma syndrome 5. Also called: Paragangliomas 5; SDHA-Related Hereditary Paraganglioma-Pheochromocytoma Syndrome. Identifiers: Orphanet 29072, MedGen C3279992, MONDO:0013602, OMIM 614165.
Mitochondrial complex II deficiency, nuclear type 1. Also called: SUCCINATE CoQ REDUCTASE DEFICIENCY. Identifiers: Orphanet 3208, MedGen C5700310, MONDO:0100294, OMIM 252011.

Allele frequency attached by ClinVar (database versions not stated): gnomAD exomes below 0.00001 and 0.00001; ExAC 0.00001.
gnomAD v4.1: 7 of 1,613,764 alleles (0.00043%); highest among the groups gnomAD compares: South Asian, 0.0022%; no homozygotes.

Submissions (5):

Labcorp Genetics (formerly Invitae), Labcorp
Classification: Likely benign for Pheochromocytoma/paraganglioma syndrome 5; Mitochondrial complex II deficiency, nuclear type 1. Last evaluated: 2026-01-19. Review status: criteria provided, single submitter. Criteria: Invitae Variant Classification Sherloc (09022015). Collection method: clinical testing. Allele origin: germline.

Quest Diagnostics Nichols Institute San Juan Capistrano
Classification: Likely benign. Last evaluated: 2025-06-09. Review status: criteria provided, single submitter. Criteria: Quest Diagnostics criteria. Collection method: clinical testing. Allele origin: unknown.

Myriad Genetics, Inc.
Classification: Benign for Pheochromocytoma/paraganglioma syndrome 5. Last evaluated: 2025-02-28. Review status: criteria provided, single submitter. Criteria: Myriad Autosomal Dominant, Autosomal Recessive and X-Linked Classification Criteria (2023). Collection method: clinical testing. Allele origin: unknown.
Comment: This variant is considered benign. This variant is a silent/synonymous amino acid change and it is not expected to impact splicing.

Blueprint Genetics
Classification: Likely benign. Last evaluated: 2020-06-15. Review status: criteria provided, single submitter. Criteria: ACMG Guidelines, 2015. Collection method: clinical testing. Allele origin: germline.

Ambry Genetics
Classification: Likely benign for Hereditary cancer-predisposing syndrome. Last evaluated: 2016-01-08. Review status: criteria provided, single submitter. Criteria: Ambry Variant Classification Scheme 2023. Collection method: clinical testing. Allele origin: germline.